The following is an entry in ClinVar:

Conditions:
Breast-ovarian cancer, familial, susceptibility to, 1 (BROVCA1). Also called: BRCA1 Hereditary Breast and Ovarian Cancer; OVARIAN CANCER, SUSCEPTIBILITY TO. Identifiers: Orphanet 145, MedGen C2676676, MONDO:0011450, OMIM 604370. Disease mechanism: loss of function.

Submission:

Brotman Baty Institute, University of Washington
No classification provided (evidence only). Condition: Breast-ovarian cancer, familial 1. Review status: no classification provided. Collection method: in vitro. Allele origin: not applicable. Functional consequence: functionally_normal.
ClinVar note: "not provided" was previously submitted as the classification for the variant. However, the classification appeared to be based only on an observation of functional data so it was converted to no classification on 2025-07-30.

NM_007294.4(BRCA1):c.5369C>G (p.Ser1790Cys)

Gene: BRCA1 (BRCA1 DNA repair associated; minus strand). Cytogenetic location: 17q21.31.
Variant type: single nucleotide variant.
Coding change: c.5369C>G on transcript NM_007294.4 (MANE Select); coding-DNA position 5369, C replaced by G.
Protein change: p.Ser1790Cys; replaces serine 1790 with cysteine.
Molecular consequence: missense variant. On other transcripts: non-coding transcript variant (1), intron variant (1).
Genome position (GRCh38, 1-based): chr17:43,049,158, G>C on the plus strand (C>G on the coding strand, the complement: BRCA1 is on the minus strand). VCF-style: chr17-43049158-G-C. GRCh37 (hg19) VCF-style: chr17-41201175-G-C.
Other names: c.5156C>G, p.Ser1719Cys (NM_001407571.1, NM_001407894.1, NM_001407908.1 and 12 more transcripts); c.5435C>G, p.Ser1812Cys (NM_001407581.1, NM_001407582.1); c.5432C>G, p.Ser1811Cys (NM_001407583.1, NM_001407585.1, NM_001407587.1 and 1 more transcripts); c.5429C>G, p.Ser1810Cys (NM_001407590.1, NM_001407591.1); c.5369C>G, p.Ser1790Cys (NM_001407593.1, NM_001407594.1, NM_001407596.1 and 5 more transcripts); c.5366C>G, p.Ser1789Cys (NM_001407610.1, NM_001407611.1, NM_001407612.1 and 14 more transcripts); c.5363C>G, p.Ser1788Cys (NM_001407628.1, NM_001407629.1, NM_001407630.1 and 13 more transcripts); c.5312C>G, p.Ser1771Cys (NM_001407648.1); and 73 more; short protein forms S1790C, S1743C, S686C, S1811C, S1494C, S1678C, S1702C, S1721C.
Identifiers: ClinVar variation 865666 (VCV000865666.3), dbSNP rs2051084243, ClinGen allele CA10590730.